The following is an entry in ClinVar:

ClinVar aggregate classification (germline): Uncertain significance (1 of 4 stars; one submission).

Conditions:
NFIB-related disorder. Also called: NFIB-related condition.

Submission:

PreventionGenetics, part of Exact Sciences
Classification: Uncertain significance for NFIB-related condition. Last evaluated: 2023-02-12. Review status: criteria provided, single submitter. Criteria: ACMG Guidelines, 2015. Collection method: clinical testing. Allele origin: germline.
Comment: The NFIB c.392A>G variant is predicted to result in the amino acid substitution p.Asp131Gly. To our knowledge, this variant has not been reported in the literature or in a large population database, indicating this variant is rare. At this time, the clinical significance of this variant is uncertain due to the absence of conclusive functional and genetic evidence.

NM_001190737.2(NFIB):c.392A>G (p.Asp131Gly)

Gene: NFIB (nuclear factor I B; minus strand). Cytogenetic location: 9p22.3.
Variant type: single nucleotide variant.
Coding change: c.392A>G on transcript NM_001190737.2 (MANE Select); coding-DNA position 392, A replaced by G.
Protein change: p.Asp131Gly; replaces aspartic acid 131 with glycine.
Molecular consequence: missense variant. On other transcripts: intron variant (3).
Genome position (GRCh38, 1-based): chr9:14,307,159, T>C on the plus strand (A>G on the coding strand, the complement: NFIB is on the minus strand). VCF-style: chr9-14307159-T-C. GRCh37 (hg19) VCF-style: chr9-14307158-T-C.
Other names: c.470A>G, p.Asp157Gly (NM_001190738.2); c.458A>G, p.Asp153Gly (NM_001369458.1, NM_001369459.1, NM_001369462.1 and 1 more transcripts); c.380A>G, p.Asp127Gly (NM_001369460.1, NM_001369463.1, NM_001369466.1 and 2 more transcripts); c.392A>G, p.Asp131Gly (NM_001369461.1, NM_001369464.1, NM_001369471.1 and 3 more transcripts); c.365A>G, p.Asp122Gly (NM_001369465.1, NM_001369467.1, NM_001369476.1); c.248A>G, p.Asp83Gly (NM_001369469.1); c.377A>G, p.Asp126Gly (NM_001369474.1); c.325+55A>G (NM_001369478.1, NM_001369470.1); and 1 more; short protein forms D122G, D126G, D127G, D131G, D153G, D157G, D83G.
Identifiers: ClinVar variation 2630207 (VCV002630207.1), dbSNP rs2538992203, ClinGen allele CA373090191.